The following is an entry in ClinVar:

NM_001256789.3(CACNA1F):c.1276+22G>C

Gene: CACNA1F (calcium voltage-gated channel subunit alpha1 F; minus strand). Cytogenetic location: Xp11.23.
Variant type: single nucleotide variant.
Coding change: c.1276+22G>C on transcript NM_001256789.3 (MANE Select); 22 bases into the intron after coding-DNA position 1276, G replaced by C.
Molecular consequence: intron variant. On other transcripts: missense variant (2).
Genome position (GRCh38, 1-based): chrX:49,226,948, C>G on the plus strand (G>C on the coding strand, the complement: CACNA1F is on the minus strand). VCF-style: chrX-49226948-C-G. GRCh37 (hg19) VCF-style: chrX-49083410-C-G.
Other names: c.1103G>C, p.Arg368Pro (NM_001256790.3); c.1298G>C, p.Arg433Pro (NM_005183.4); short protein forms R433P, R368P.
Identifiers: ClinVar variation 2710890 (VCV002710890.3), dbSNP rs782399050, ClinGen allele CA412918210.

ClinVar aggregate classification (germline): Uncertain significance (1 of 4 stars; one submission).

Submission:

Labcorp Genetics (formerly Invitae), Labcorp
Classification: Uncertain significance. Last evaluated: 2024-01-22. Review status: criteria provided, single submitter. Criteria: Invitae Variant Classification Sherloc (09022015). Collection method: clinical testing. Allele origin: germline.
Comment: This sequence change replaces arginine, which is basic and polar, with proline, which is neutral and non-polar, at codon 433 of the CACNA1F protein (p.Arg433Pro). This variant is not present in population databases (gnomAD no frequency). This variant has not been reported in the literature in individuals affected with CACNA1F-related conditions. An algorithm developed to predict the effect of missense changes on protein structure and function (PolyPhen-2) suggests that this variant is likely to be tolerated. In summary, the available evidence is currently insufficient to determine the role of this variant in disease. Therefore, it has been classified as a Variant of Uncertain Significance.